The following is an entry in ClinVar:

ClinVar aggregate classification (germline): Uncertain significance. Review status: criteria provided, multiple submitters, no conflicts (2 of 4 stars). 4 submissions from 4 submitters: Uncertain significance (3). 1 of the submissions does not count toward it. Last evaluated 2025-05-18.

Conditions:
Inborn genetic diseases. Identifiers: MedGen C0950123, MeSH D030342.
Fanconi anemia (FA). Also called: Fanconi's anemia. Identifiers: Orphanet 84, MedGen C0015625, MeSH D005199, MONDO:0019391.
Fanconi anemia complementation group A (FANCA). Also called: Fanconi anemia, group A; FANCA-Related Fanconi Anemia. Identifiers: Orphanet 84, MedGen C3469521, MONDO:0009215, OMIM 227650.

Allele frequency attached by ClinVar (database versions not stated): ExAC 0.00003.
gnomAD v4.1: 17 of 1,614,048 alleles (0.0011%); highest among the groups gnomAD compares: South Asian, 0.019%; no homozygotes.

Submissions (4):

Ambry Genetics
Classification: Uncertain significance for Inborn genetic diseases. Last evaluated: 2025-05-18. Review status: criteria provided, single submitter. Criteria: Ambry Variant Classification Scheme 2023. Collection method: clinical testing. Allele origin: germline.

Labcorp Genetics (formerly Invitae), Labcorp
Classification: Uncertain significance for Fanconi anemia. Last evaluated: 2024-09-21. Review status: criteria provided, single submitter. Criteria: Invitae Variant Classification Sherloc (09022015). Collection method: clinical testing. Allele origin: germline.
Comment: This sequence change replaces proline, which is neutral and non-polar, with serine, which is neutral and polar, at codon 543 of the FANCA protein (p.Pro543Ser). This variant is present in population databases (rs763074159, gnomAD 0.02%). This variant has not been reported in the literature in individuals affected with FANCA-related conditions. ClinVar contains an entry for this variant (Variation ID: 1003456). An algorithm developed to predict the effect of missense changes on protein structure and function (PolyPhen-2) suggests that this variant is likely to be disruptive. In summary, the available evidence is currently insufficient to determine the role of this variant in disease. Therefore, it has been classified as a Variant of Uncertain Significance.

Genome-Nilou Lab
Classification: Uncertain significance for Fanconi anemia complementation group A. Last evaluated: 2021-07-14. Review status: criteria provided, single submitter. Criteria: ACMG Guidelines, 2015. Collection method: clinical testing. Allele origin: germline. Affected: no.

Natera, Inc.
Classification: Uncertain significance for Fanconi anemia. Last evaluated: 2020-09-14. Review status: no assertion criteria provided. Collection method: clinical testing. Allele origin: germline. Not counted in ClinVar's aggregate classification.

NM_000135.4(FANCA):c.1627C>T (p.Pro543Ser)

Gene: FANCA (FA complementation group A; minus strand). Cytogenetic location: 16q24.3.
Variant type: single nucleotide variant.
Coding change: c.1627C>T on transcript NM_000135.4 (MANE Select); coding-DNA position 1627, C replaced by T.
Protein change: p.Pro543Ser; replaces proline 543 with serine.
Molecular consequence: missense variant.
Genome position (GRCh38, 1-based): chr16:89,779,957, G>A on the plus strand (C>T on the coding strand, the complement: FANCA is on the minus strand). VCF-style: chr16-89779957-G-A. GRCh37 (hg19) VCF-style: chr16-89846365-G-A.
Other names: c.1627C>T (NM_000135.2); c.1627C>T, p.Pro543Ser (NM_001286167.3); short protein forms P543S.
Identifiers: ClinVar variation 1003456 (VCV001003456.15), dbSNP rs763074159, ClinGen allele CA8252188.